The following is an entry in ClinVar:

ClinVar aggregate classification (germline): Uncertain significance. Review status: criteria provided, multiple submitters, no conflicts (2 of 4 stars). 4 submissions from 4 submitters: Uncertain significance (4). Last evaluated 2026-08-06.

Conditions:
Wiedemann-Steiner syndrome (WDSTS). Also called: Growth deficiency and mental retardation with facial dysmorphism. Identifiers: Orphanet 319182, MedGen C1854630, MONDO:0011518, OMIM 605130.

Submissions (4):

OLLIN Analises Genomicas, OLLIN
Classification: Uncertain significance for Wiedemann-Steiner syndrome. Last evaluated: 2026-08-06. Review status: criteria provided, single submitter. Criteria: ACMG Guidelines 2015 PMID 25741868. Collection method: clinical testing. Allele origin: germline. Inheritance: Autosomal dominant inheritance.
Comment: This missense variant, located in exon 30 (of 36), is absent from gnomAD and has not been identified in the literature. However, it has been reported in ClinVar (accession VCV003713833.2). In silico analysis predicts that this variant has a tolerated effect. This gene is constrained for missense variation. According to the currently available evidence, this variant has been classified as uncertain significance (PM2_P, PP2, BP4_M).

Labcorp Genetics (formerly Invitae), Labcorp
Classification: Uncertain significance. Last evaluated: 2025-12-01. Review status: criteria provided, single submitter. Criteria: Invitae Variant Classification Sherloc (09022015). Collection method: clinical testing. Allele origin: germline.
Comment: This sequence change replaces asparagine, which is neutral and polar, with tyrosine, which is neutral and polar, at codon 3644 of the KMT2A protein (p.Asn3644Tyr). This variant is not present in population databases (gnomAD no frequency). This variant has not been reported in the literature in individuals affected with KMT2A-related conditions. ClinVar contains an entry for this variant (Variation ID: 2895576). Invitae Evidence Modeling of protein sequence and biophysical properties (such as structural, functional, and spatial information, amino acid conservation, physicochemical variation, residue mobility, and thermodynamic stability) indicates that this missense variant is not expected to disrupt KMT2A protein function with a negative predictive value of 95%. In summary, the available evidence is currently insufficient to determine the role of this variant in disease. Therefore, it has been classified as a Variant of Uncertain Significance.

Dasa
Classification: Uncertain significance. Last evaluated: 2025-09-02. Review status: criteria provided, single submitter. Criteria: DASA Assertion Criteria. Collection method: clinical testing. Allele origin: germline.
Comment: NM_001197104.2(KMT2A):c.10930A>T (p.Asn3644Tyr) is a missense variant that results in the substitution of asparagine with tyrosine. This variant is rare in population databases. The currently available literature and clinical evidence are not sufficient to establish a definitive association between this variant and the reported condition. Therefore, this variant is classified as a variant of uncertain significance.

GeneDx
Classification: Uncertain significance. Last evaluated: 2023-11-22. Review status: criteria provided, single submitter. Criteria: GeneDx Variant Classification Process June 2021. Collection method: clinical testing. Allele origin: germline. Affected: yes.
Comment: Not observed at significant frequency in large population cohorts (gnomAD); In silico analysis supports that this missense variant does not alter protein structure/function; Has not been previously published as pathogenic or benign to our knowledge

NM_001197104.2(KMT2A):c.10930A>T (p.Asn3644Tyr)

Gene: KMT2A (lysine methyltransferase 2A; plus strand). Cytogenetic location: 11q23.3.
Variant type: single nucleotide variant.
Coding change: c.10930A>T on transcript NM_001197104.2 (MANE Select); coding-DNA position 10930, A replaced by T.
Protein change: p.Asn3644Tyr; replaces asparagine 3644 with tyrosine.
Molecular consequence: missense variant.
Genome position (GRCh38, 1-based): chr11:118,509,977, A>T. VCF-style: chr11-118509977-A-T. GRCh37 (hg19) VCF-style: chr11-118380692-A-T.
Other names: c.11020A>T, p.Asn3674Tyr (NM_001412597.1); c.10921A>T, p.Asn3641Tyr (NM_005933.4); short protein forms N3644Y, N3641Y, N3674Y.
Identifiers: ClinVar variation 2895576 (VCV002895576.7), dbSNP rs1375621489, ClinGen allele CA382829706.